The following is an entry in ClinVar:

NM_080680.3(COL11A2):c.3962del

Gene: COL11A2 (collagen type XI alpha 2 chain; minus strand). Cytogenetic location: 6p21.32.
Variant type: Deletion.
Coding change: c.3962del on transcript NM_080680.3 (MANE Select); coding-DNA position 3962, one base deleted (G; older notation c.3962delG).
Molecular consequence: splice acceptor variant.
Genome position (GRCh38, 1-based): chr6:33,167,851, C deleted on the plus strand (G on the coding strand, the reverse complement: COL11A2 is on the minus strand); the first of 3 consecutive C bases (chr6:33,167,851-33,167,853); deleting any one gives the same sequence. VCF-style (leftmost placement, unchanged base first): chr6-33167850-AC-A. GRCh37 (hg19) VCF-style: chr6-33135627-AC-A.
Identifiers: ClinVar variation 17130 (VCV000017130.3), dbSNP rs1562315748, ClinGen allele CA658655573.

ClinVar aggregate classification (germline): Pathogenic. Review status: criteria provided, single submitter (1 of 4 stars). 2 submissions from 2 submitters: Pathogenic (1). 1 of the submissions does not count toward it. Last evaluated 2022-05-22.

Conditions:
Otospondylomegaepiphyseal dysplasia, autosomal recessive (OSMEDB). Also called: Insley-Astley syndrome; CHONDRODYSTROPHY WITH SENSORINEURAL DEAFNESS. Identifiers: Orphanet 1427, MedGen CN034493, MONDO:0044206, OMIM 215150.

Submissions (2):

3billion
Classification: Pathogenic for Otospondylomegaepiphyseal dysplasia, autosomal recessive. Last evaluated: 2022-05-22. Review status: criteria provided, single submitter. Criteria: ACMG Guidelines, 2015. Collection method: clinical testing. Allele origin: germline. Affected: yes. Observed: 1 homozygote.
Comment: The variant is not observed in the gnomAD v2.1.1 dataset. Frameshift: predicted to result in a loss or disruption of normal protein function through nonsense-mediated decay (NMD) or protein truncation. Multiple pathogenic variants are reported downstream of the variant. The variant has been reported to be associated with COL11A2 related disorder (ClinVar ID: VCV000017130). Therefore, this variant is classified as pathogenic according to the recommendation of ACMG/AMP guideline.

OMIM
Classification: Pathogenic for OTOSPONDYLOMEGAEPIPHYSEAL DYSPLASIA, AUTOSOMAL RECESSIVE. Last evaluated: 2006-06-01. Review status: no assertion criteria provided. Collection method: literature only. Allele origin: germline. Not counted in ClinVar's aggregate classification.

Literature cited by the submitters: PubMed 16637051 (cited by OMIM).